The following is an entry in ClinVar:

NM_152564.5(VPS13B):c.4224+549C>T

Gene: VPS13B (vacuolar protein sorting 13 homolog B; plus strand). Cytogenetic location: 8q22.2.
Variant type: single nucleotide variant.
Coding change: c.4224+549C>T on transcript NM_152564.5 (MANE Select); 549 bases into the intron after coding-DNA position 4224, C replaced by T.
Molecular consequence: intron variant.
Genome position (GRCh38, 1-based): chr8:99,507,752, C>T. VCF-style: chr8-99507752-C-T. GRCh37 (hg19) VCF-style: chr8-100519980-C-T.
Other names: c.4158-18C>T (NM_017890.5).
Identifiers: ClinVar variation 379221 (VCV000379221.15), dbSNP rs182492131, ClinGen allele CA4823460.
Genomic context (GRCh38, chr8:99,507,752, plus strand): 5'-TATCCAGATATTTTTTTGCTTATGGCTTTTATTGCTTTTTGTCTTTTCACCTTCTTTGCT[C>T]CTGTCCATCACTTCAAGCCTTGGGGAAGAGTGTTGGTCTTTGGGGCAATGTGGAGGTGTC-3'

ClinVar aggregate classification (germline): Benign/Likely benign. Review status: criteria provided, multiple submitters, no conflicts (2 of 4 stars). 5 submissions from 5 submitters: Benign (1); Likely benign (2). 2 of the submissions do not count toward it. Last evaluated 2026-02-04.

Conditions:
Cohen syndrome (COH1). Also called: PEPPER SYNDROME; Cutis verticis gyrata, retinitis pigmentosa, and sensorineural deafness. Identifiers: Orphanet 193, MedGen C0265223, MONDO:0008999, OMIM 216550.

Allele frequency attached by ClinVar (database versions not stated): 1000 Genomes Project 0.00060; 1000 Genomes Project 30x 0.00062; gnomAD 0.00113 and 0.00115; ExAC 0.00126; TOPMed 0.00134; gnomAD exomes 0.00137 and 0.00147; ESP Exome Variant Server 0.00138.
gnomAD v4.1: 2,343 of 1,613,894 alleles (0.15%); highest among the groups gnomAD compares: Middle Eastern, 0.23%; 6 homozygotes.

Submissions (5):

Labcorp Genetics (formerly Invitae), Labcorp
Classification: Benign for Cohen syndrome. Last evaluated: 2026-02-04. Review status: criteria provided, single submitter. Criteria: Invitae Variant Classification Sherloc (09022015). Collection method: clinical testing. Allele origin: germline.

Blueprint Genetics
Classification: Likely benign. Last evaluated: 2024-11-21. Review status: criteria provided, single submitter. Criteria: ACMG Guidelines, 2015. Collection method: clinical testing. Allele origin: germline.

GeneDx
Classification: Likely benign. Last evaluated: 2016-05-17. Review status: criteria provided, single submitter. Criteria: GeneDx Variant Classification (06012015). Collection method: clinical testing. Allele origin: germline. Affected: yes.
Comment: This variant is considered likely benign or benign based on one or more of the following criteria: it is a conservative change, it occurs at a poorly conserved position in the protein, it is predicted to be benign by multiple in silico algorithms, and/or has population frequency not consistent with disease.

Clinical Genetics, Academic Medical Center
Classification: Benign. Review status: no assertion criteria provided. Collection method: clinical testing. Allele origin: germline. Affected: yes. Study: VKGL Data-share Consensus. Not counted in ClinVar's aggregate classification.

Joint Genome Diagnostic Labs from Nijmegen and Maastricht, Radboudumc and MUMC+
Classification: Likely benign. Review status: no assertion criteria provided. Collection method: clinical testing. Allele origin: germline. Affected: yes. Study: VKGL Data-share Consensus. Not counted in ClinVar's aggregate classification.